The following is an entry in ClinVar:

NM_000038.6(APC):c.6010G>C (p.Ala2004Pro)

Gene: APC (APC regulator of Wnt signaling pathway; plus strand). Cytogenetic location: 5q22.2.
Variant type: single nucleotide variant.
Coding change: c.6010G>C on transcript NM_000038.6 (MANE Select); coding-DNA position 6010, G replaced by C.
Protein change: p.Ala2004Pro; replaces alanine 2004 with proline.
Molecular consequence: missense variant. On other transcripts: non-coding transcript variant (2).
Genome position (GRCh38, 1-based): chr5:112,841,604, G>C. VCF-style: chr5-112841604-G-C. GRCh37 (hg19) VCF-style: chr5-112177301-G-C.
Other names: c.6010G>C, p.Ala2004Pro (NM_001127510.3, NM_001354895.2, NM_001407450.1); c.5956G>C, p.Ala1986Pro (NM_001127511.3); c.6064G>C, p.Ala2022Pro (NM_001354896.2, NM_001407447.1, NM_001407448.1 and 1 more transcripts); c.6040G>C, p.Ala2014Pro (NM_001354897.2); c.5935G>C, p.Ala1979Pro (NM_001354898.2); c.5926G>C, p.Ala1976Pro (NM_001354899.2); c.5887G>C, p.Ala1963Pro (NM_001354900.2); c.5833G>C, p.Ala1945Pro (NM_001354901.2, NM_001407453.1); and 11 more; short protein forms A1903P, A1979P, A2022P, A1921P, A1994P, A2004P, A2014P, A1620P.
Identifiers: ClinVar variation 2587031 (VCV002587031.2), dbSNP rs2149954801, ClinGen allele CA16034485.

ClinVar aggregate classification (germline): Uncertain significance (1 of 4 stars; one submission).

Conditions:
Hereditary cancer-predisposing syndrome. Also called: Hereditary neoplastic syndrome; Tumor predisposition; Hereditary Cancer Syndrome; Neoplastic Syndromes, Hereditary. Identifiers: Orphanet 140162, MedGen C0027672, MeSH D009386, MONDO:0015356.

Submission:

Ambry Genetics
Classification: Uncertain significance for Hereditary cancer-predisposing syndrome. Last evaluated: 2023-08-29. Review status: criteria provided, single submitter. Criteria: Ambry Variant Classification Scheme 2023. Collection method: clinical testing. Allele origin: germline.
Comment: The p.A2004P variant (also known as c.6010G>C), located in coding exon 15 of the APC gene, results from a G to C substitution at nucleotide position 6010. The alanine at codon 2004 is replaced by proline, an amino acid with highly similar properties. This amino acid position is conserved. In addition, in silico predictors for this gene do not accurately predict pathogenicity. Since supporting evidence is limited at this time, the clinical significance of this alteration remains unclear.